The following is an entry in ClinVar:

NM_207361.6(FREM2):c.109C>T (p.Leu37Phe)

Gene: FREM2 (FRAS1 related extracellular matrix 2; plus strand). Cytogenetic location: 13q13.3.
Variant type: single nucleotide variant.
Coding change: c.109C>T on transcript NM_207361.6 (MANE Select); coding-DNA position 109, C replaced by T.
Protein change: p.Leu37Phe; replaces leucine 37 with phenylalanine.
Molecular consequence: missense variant.
Genome position (GRCh38, 1-based): chr13:38,687,453, C>T. VCF-style: chr13-38687453-C-T. GRCh37 (hg19) VCF-style: chr13-39261590-C-T.
Other names: short protein forms L37F.
Identifiers: ClinVar variation 703191 (VCV000703191.25), dbSNP rs183560588, ClinGen allele CA6954150.

ClinVar aggregate classification (germline): Conflicting classifications of pathogenicity. Review status: criteria provided, conflicting classifications (1 of 4 stars). 5 submissions from 5 submitters: Uncertain significance (1); Likely benign (3). 1 of the submissions does not count toward it. Last evaluated 2026-01-27.

Conditions:
FREM2-related disorder. Also called: FREM2-related condition.
Fraser syndrome 2 (FRASRS2). Identifiers: MedGen C4540036, MONDO:0054738, OMIM 617666.
Isolated cryptophthalmia. Also called: Cryptophthalmos, unilateral or bilateral, isolated; ANKYLOBLEPHARON, SIMPLE. Identifiers: Orphanet 91396, MedGen C1852453, MONDO:0007410, OMIM 123570.

Allele frequency attached by ClinVar (database versions not stated): 1000 Genomes Project 30x 0.00047; gnomAD 0.00078 and 0.00081; 1000 Genomes Project 0.00080; TOPMed 0.00080; ESP Exome Variant Server 0.00085; gnomAD exomes 0.00101 and 0.00164; ExAC 0.00170.
gnomAD v4.1: 2,454 of 1,594,358 alleles (0.15%); highest among the groups gnomAD compares: Non-Finnish European, 0.19%; 6 homozygotes.

Submissions (5):

Labcorp Genetics (formerly Invitae), Labcorp
Classification: Likely benign. Last evaluated: 2026-01-27. Review status: criteria provided, single submitter. Criteria: Invitae Variant Classification Sherloc (09022015). Collection method: clinical testing. Allele origin: germline.

CeGaT Center for Human Genetics Tuebingen
Classification: Likely benign. Last evaluated: 2025-03-01. Review status: criteria provided, single submitter. Criteria: CeGaT Center For Human Genetics Tuebingen Variant Classification Criteria Version 2. Collection method: clinical testing. Allele origin: germline. Affected: yes. Observed: 1 variant allele.
Comment: FREM2: BS1

Department of Pathology and Laboratory Medicine, Sinai Health System
Classification: Likely benign for Isolated cryptophthalmia; Fraser syndrome 2. Last evaluated: 2021-07-30. Review status: criteria provided, single submitter. Criteria: ACMG Guidelines, 2015. Collection method: research. Allele origin: germline.

Illumina Laboratory Services, Illumina
Classification: Uncertain significance for Fraser syndrome 2. Last evaluated: 2018-01-12. Review status: criteria provided, single submitter. Criteria: ICSL Variant Classification Criteria 13 December 2019. Collection method: clinical testing. Allele origin: germline.

PreventionGenetics, part of Exact Sciences
Classification: Likely benign for FREM2-related condition. Last evaluated: 2022-03-02. Review status: no assertion criteria provided. Collection method: clinical testing. Allele origin: germline. Not counted in ClinVar's aggregate classification.
Comment: This variant is classified as likely benign based on ACMG/AMP sequence variant interpretation guidelines (Richards et al. 2015 PMID: 25741868, with internal and published modifications).